The following is an entry in ClinVar:

ClinVar aggregate classification (germline): Uncertain significance (1 of 4 stars; one submission).

gnomAD v4.1: 45 of 1,613,952 alleles (0.0028%); highest among the groups gnomAD compares: Admixed American, 0.0067%; no homozygotes.

Submission:

Labcorp Genetics (formerly Invitae), Labcorp
Classification: Uncertain significance. Last evaluated: 2022-05-11. Review status: criteria provided, single submitter. Criteria: Invitae Variant Classification Sherloc (09022015). Collection method: clinical testing. Allele origin: germline.
Comment: This sequence change replaces serine, which is neutral and polar, with isoleucine, which is neutral and non-polar, at codon 326 of the ABCG8 protein (p.Ser326Ile). This variant is present in population databases (rs202030766, gnomAD 0.006%). This variant has not been reported in the literature in individuals affected with ABCG8-related conditions. Algorithms developed to predict the effect of missense changes on protein structure and function (SIFT, PolyPhen-2, Align-GVGD) all suggest that this variant is likely to be disruptive. Algorithms developed to predict the effect of sequence changes on RNA splicing suggest that this variant may create or strengthen a splice site. In summary, the available evidence is currently insufficient to determine the role of this variant in disease. Therefore, it has been classified as a Variant of Uncertain Significance.

NM_022437.3(ABCG8):c.977G>T (p.Ser326Ile)

Gene: ABCG8 (ATP binding cassette subfamily G member 8; plus strand). Cytogenetic location: 2p21.
Variant type: single nucleotide variant.
Coding change: c.977G>T on transcript NM_022437.3 (MANE Select); coding-DNA position 977, G replaced by T.
Protein change: p.Ser326Ile; replaces serine 326 with isoleucine.
Molecular consequence: missense variant.
Genome position (GRCh38, 1-based): chr2:43,871,988, G>T. VCF-style: chr2-43871988-G-T. GRCh37 (hg19) VCF-style: chr2-44099127-G-T.
Other names: c.977G>T, p.Ser326Ile (NM_001357321.2); short protein forms S326I.
Identifiers: ClinVar variation 2083982 (VCV002083982.1), dbSNP rs202030766, ClinGen allele CA1637242.